The following is an entry in ClinVar:

NM_020433.5(JPH2):c.52T>A (p.Trp18Arg)

Gene: JPH2 (junctophilin 2; minus strand). Cytogenetic location: 20q13.12.
Variant type: single nucleotide variant.
Coding change: c.52T>A on transcript NM_020433.5 (MANE Select); coding-DNA position 52, T replaced by A.
Protein change: p.Trp18Arg; replaces tryptophan 18 with arginine.
Molecular consequence: missense variant.
Genome position (GRCh38, 1-based): chr20:44,186,654, A>T on the plus strand (T>A on the coding strand, the complement: JPH2 is on the minus strand). VCF-style: chr20-44186654-A-T. GRCh37 (hg19) VCF-style: chr20-42815294-A-T.
Other names: c.52T>A, p.Trp18Arg (NM_175913.4); short protein forms W18R.
Identifiers: ClinVar variation 2566235 (VCV002566235.2), dbSNP rs1488866517, ClinGen allele CA409095639.
Genomic context (GRCh38, chr20:44,186,654, plus strand): 5'-ATTCGCCCTGGCCCTTGGGGCCTGTGCACAGTCCATGCCCATGGGCCTTTCCCCCCTCCC[A>T]GCCCCCGCAGTACGCCCCTCCATCATCAAAGTCGAAGCGGCCCCCACTCATCTCATCATA-3'
Protein context (NP_065166.2, residues 8-28): FDDGGAYCGG[Trp18Arg]EGGKAHGHGL

ClinVar aggregate classification (germline): Uncertain significance (1 of 4 stars; one submission).

Conditions:
Cardiovascular phenotype. Identifiers: MedGen CN230736.

Allele frequency attached by ClinVar (database versions not stated): gnomAD exomes below 0.00001.
gnomAD v4.1: 1 of 1,214,776 alleles (0.000082%); highest among the groups gnomAD compares: African/African-American, 0.0021%; no homozygotes.

Submission:

Ambry Genetics
Classification: Uncertain significance for Cardiovascular phenotype. Last evaluated: 2023-03-20. Review status: criteria provided, single submitter. Criteria: Ambry Variant Classification Scheme 2023. Collection method: clinical testing. Allele origin: germline.
Comment: The p.W18R variant (also known as c.52T>A), located in coding exon 1 of the JPH2 gene, results from a T to A substitution at nucleotide position 52. The tryptophan at codon 18 is replaced by arginine, an amino acid with dissimilar properties. This amino acid position is conserved. In addition, this alteration is predicted to be deleterious by in silico analysis. Since supporting evidence is limited at this time, the clinical significance of this alteration remains unclear.